The following is an entry in ClinVar:

ClinVar aggregate classification (germline): Uncertain significance/VUS-mid. Review status: criteria provided, multiple submitters, no conflicts (2 of 4 stars). 2 submissions from 2 submitters: Uncertain significance (1); VUS-mid (1). Last evaluated 2026-05-21.

Conditions:
Congenital anomalies of kidney and urinary tract 2. Identifiers: Orphanet 2190, MedGen C5574705, MONDO:0027676, OMIM 143400.
Inborn genetic diseases. Identifiers: MedGen C0950123, MeSH D030342.

Allele frequency attached by ClinVar (database versions not stated): gnomAD exomes 0.00001; TOPMed below 0.00001.
gnomAD v4.1: 14 of 1,528,748 alleles (0.00092%); highest among the groups gnomAD compares: Middle Eastern, 0.022%; no homozygotes.

Submissions (2):

Centre for Medical Genetics,  Mumbai
Classification: VUS-mid for Congenital anomalies of kidney and urinary tract 2. Last evaluated: 2026-05-21. Review status: criteria provided, single submitter. Criteria: ACMG Guidelines, 2015. Collection method: provider interpretation. Allele origin: germline. Inheritance: Autosomal dominant inheritance. Affected: yes. Observed: 1 variant allele, 1 heterozygote.
Comment: The variant satisfies PM2 criteria - extremely low frequency in gnomAD population databases. The variant satisfies PP3 criteria - for a missense or a splicing region variant, computational prediction tools unanimously support a deleterious effect on the gene. However, due to insufficient clinical evidence, it should be considered as a variant of uncertain significance.

Ambry Genetics
Classification: Uncertain significance for Inborn genetic diseases. Last evaluated: 2023-12-16. Review status: criteria provided, single submitter. Criteria: Ambry Variant Classification Scheme 2023. Collection method: clinical testing. Allele origin: germline.

Literature cited by the submitters: PubMed 26235987 (cited by Centre for Medical Genetics,  Mumbai).

NM_001080508.3(TBX18):c.26C>G (p.Pro9Arg)

Gene: TBX18 (T-box transcription factor 18; minus strand). Cytogenetic location: 6q14.3.
Variant type: single nucleotide variant.
Coding change: c.26C>G on transcript NM_001080508.3 (MANE Select); coding-DNA position 26, C replaced by G.
Protein change: p.Pro9Arg; replaces proline 9 with arginine.
Molecular consequence: missense variant.
Genome position (GRCh38, 1-based): chr6:84,764,156, G>C on the plus strand (C>G on the coding strand, the complement: TBX18 is on the minus strand). VCF-style: chr6-84764156-G-C. GRCh37 (hg19) VCF-style: chr6-85473874-G-C.
Other names: short protein forms P9R.
Identifiers: ClinVar variation 3174937 (VCV003174937.2), dbSNP rs908021614, ClinGen allele CA142011625.
Genomic context (GRCh38, chr6:84,764,156, plus strand): 5'-TCGGCGCCGATCAGCGCCTCCACCGAGAAAGCGTGCGCCTTGAGGCTTAGCATGCTGCAC[G>C]GCGAGCCCCTTCGCTTCTCGGCCATCCCCCCCGCCCCGCGCCCGCCCGCCCCTCTCTCAT-3'
Protein context (NP_001073977.1, residues 1-19): MAEKRRGS[Pro9Arg]CSMLSLKAHA